The following is an entry in ClinVar:

NM_018928.3(PCDHGC4):c.366G>C (p.Glu122Asp)

Genes: PCDHG@ (protocadherin gamma cluster; plus strand), PCDHGA1 (protocadherin gamma subfamily A, 1; plus strand), PCDHGA10 (protocadherin gamma subfamily A, 10; plus strand), PCDHGA11 (protocadherin gamma subfamily A, 11; plus strand), PCDHGA12 (protocadherin gamma subfamily A, 12; plus strand) and 17 more. Cytogenetic location: 5q31.3.
Variant type: single nucleotide variant.
Coding change: c.366G>C on transcript NM_018928.3 (MANE Select); coding-DNA position 366, G replaced by C.
Protein change: p.Glu122Asp; replaces glutamic acid 122 with aspartic acid.
Molecular consequence: missense variant. On other transcripts: intron variant (23).
Genome position (GRCh38, 1-based): chr5:141,485,539, G>C. VCF-style: chr5-141485539-G-C. GRCh37 (hg19) VCF-style: chr5-140865106-G-C.
Other names: c.366G>C, p.Glu122Asp (NM_032406.1); c.2422-9268G>C (NM_018912.3, NM_018923.3, NM_018918.3); c.2425-9268G>C (NM_018915.4, NM_018916.4, NM_018919.3 and 4 more transcripts); c.2410-9268G>C (NM_018922.3); c.2515-9268G>C (NM_018917.4); c.2416-9268G>C (NM_018924.5, NM_018927.4); c.2398-9268G>C (NM_003736.4, NM_018925.3); c.2419-9268G>C (NM_018926.3); and 6 more; short protein forms E122D.
Identifiers: ClinVar variation 2338111 (VCV002338111.3), dbSNP rs370323886, ClinGen allele CA3477706.

ClinVar aggregate classification (germline): Uncertain significance (1 of 4 stars; one submission).

Conditions:
Inborn genetic diseases. Identifiers: MedGen C0950123, MeSH D030342.

Allele frequency attached by ClinVar (database versions not stated): ExAC 0.00002; gnomAD 0.00004; TOPMed 0.00007; ESP Exome Variant Server 0.00008.
gnomAD v4.1: 16 of 1,613,986 alleles (0.00099%); highest among the groups gnomAD compares: African/African-American, 0.02%; no homozygotes.

Submission:

Ambry Genetics
Classification: Uncertain significance for Inborn genetic diseases. Last evaluated: 2026-09-01. Review status: criteria provided, single submitter. Criteria: Ambry Variant Classification Scheme 2023. Collection method: clinical testing. Allele origin: germline.
Comment: The c.366G>C (p.E122D) alteration is located in exon 1 (coding exon 1) of the PCDHGC4 gene. This alteration results from a G to C substitution at nucleotide position 366, causing the glutamic acid (E) at amino acid position 122 to be replaced by an aspartic acid (D). Based on data from gnomAD, the C allele has an overall frequency of 0.002% (6/282652) total alleles studied. The highest observed frequency was 0.024% (6/24936) of African alleles. Based on insufficient or conflicting evidence, the clinical significance of this alteration remains unclear.